The following is an entry in ClinVar:

NM_016032.4(ZDHHC9):c.257C>G (p.Thr86Ser)

Gene: ZDHHC9 (zDHHC palmitoyltransferase 9; minus strand). Cytogenetic location: Xq26.1.
Variant type: single nucleotide variant.
Coding change: c.257C>G on transcript NM_016032.4 (MANE Select); coding-DNA position 257, C replaced by G.
Protein change: p.Thr86Ser; replaces threonine 86 with serine.
Molecular consequence: missense variant.
Genome position (GRCh38, 1-based): chrX:129,829,052, G>C on the plus strand (C>G on the coding strand, the complement: ZDHHC9 is on the minus strand). VCF-style: chrX-129829052-G-C. GRCh37 (hg19) VCF-style: chrX-128963028-G-C.
Other names: c.257C>G, p.Thr86Ser (NM_001008222.3); short protein forms T86S.
Identifiers: ClinVar variation 3764415 (VCV003764415.1).

ClinVar aggregate classification (germline): Uncertain significance (1 of 4 stars; one submission).

Submission:

GeneDx
Classification: Uncertain significance. Last evaluated: 2024-08-21. Review status: criteria provided, single submitter. Criteria: GeneDx Variant Classification Process June 2021. Collection method: clinical testing. Allele origin: germline. Affected: yes.
Comment: Not observed at significant frequency in large population cohorts (gnomAD); In silico analysis supports that this missense variant has a deleterious effect on protein structure/function; Has not been previously published as pathogenic or benign to our knowledge